The following is an entry in ClinVar:

NM_206933.4(USH2A):c.14054A>T (p.Asn4685Ile)

Gene: USH2A (usherin; minus strand). Cytogenetic location: 1q41.
Variant type: single nucleotide variant.
Coding change: c.14054A>T on transcript NM_206933.4 (MANE Select); coding-DNA position 14054, A replaced by T.
Protein change: p.Asn4685Ile; replaces asparagine 4685 with isoleucine.
Molecular consequence: missense variant.
Genome position (GRCh38, 1-based): chr1:215,671,051, T>A on the plus strand (A>T on the coding strand, the complement: USH2A is on the minus strand). VCF-style: chr1-215671051-T-A. GRCh37 (hg19) VCF-style: chr1-215844393-T-A.
Other names: c.14054A>T (NM_206933.2); short protein forms N4685I.
Identifiers: ClinVar variation 2163684 (VCV002163684.2), dbSNP rs188674785, ClinGen allele CA1393161.
Genomic context (GRCh38, chr1:215,671,051, plus strand): 5'-AAAGGCAATAGTTCGGAATCTATAAAAGATGTTGAGCTTCCGTTATAGATTAGGACTGGA[T>A]TGGATTTTCTAGGCTGAGTTGCTATTTGTCTTCTGTATAATTCGTAATACAAAACTTTTC-3'
Protein context (NP_996816.3, residues 4675-4695): RQIATQPRKS[Asn4685Ile]PVLIYNGSST

ClinVar aggregate classification (germline): Uncertain significance. Review status: criteria provided, multiple submitters, no conflicts (2 of 4 stars). 2 submissions from 2 submitters: Uncertain significance (2). Last evaluated 2024-02-21.

Conditions:
Inborn genetic diseases. Identifiers: MedGen C0950123, MeSH D030342.

Allele frequency attached by ClinVar (database versions not stated): gnomAD 0.00001; gnomAD exomes 0.00001; ExAC 0.00002; 1000 Genomes Project 30x 0.00016; 1000 Genomes Project 0.00020.
gnomAD v4.1: 10 of 1,614,164 alleles (0.00062%); highest among the groups gnomAD compares: Admixed American, 0.01%; no homozygotes.

Submissions (2):

Ambry Genetics
Classification: Uncertain significance for Inborn genetic diseases. Last evaluated: 2024-02-21. Review status: criteria provided, single submitter. Criteria: Ambry Variant Classification Scheme 2023. Collection method: clinical testing. Allele origin: germline.

Labcorp Genetics (formerly Invitae), Labcorp
Classification: Uncertain significance. Last evaluated: 2022-03-27. Review status: criteria provided, single submitter. Criteria: Invitae Variant Classification Sherloc (09022015). Collection method: clinical testing. Allele origin: germline.
Comment: This sequence change replaces asparagine, which is neutral and polar, with isoleucine, which is neutral and non-polar, at codon 4685 of the USH2A protein (p.Asn4685Ile). This variant is present in population databases (rs188674785, gnomAD 0.006%). This variant has not been reported in the literature in individuals affected with USH2A-related conditions. Algorithms developed to predict the effect of missense changes on protein structure and function are either unavailable or do not agree on the potential impact of this missense change (SIFT: "Deleterious"; PolyPhen-2: "Benign"; Align-GVGD: "Class C0"). In summary, the available evidence is currently insufficient to determine the role of this variant in disease. Therefore, it has been classified as a Variant of Uncertain Significance.